The following is an entry in ClinVar:

NM_000414.4(HSD17B4):c.743G>A (p.Arg248His)

Gene: HSD17B4 (hydroxysteroid 17-beta dehydrogenase 4; plus strand). Cytogenetic location: 5q23.1.
Variant type: single nucleotide variant.
Coding change: c.743G>A on transcript NM_000414.4 (MANE Select); coding-DNA position 743, G replaced by A.
Protein change: p.Arg248His; replaces arginine 248 with histidine.
Molecular consequence: missense variant.
Genome position (GRCh38, 1-based): chr5:119,493,821, G>A. VCF-style: chr5-119493821-G-A. GRCh37 (hg19) VCF-style: chr5-118829516-G-A.
Other names: c.818G>A, p.Arg273His (NM_001199291.3); c.689G>A, p.Arg230His (NM_001199292.2); c.671G>A, p.Arg224His (NM_001292027.2); c.323G>A, p.Arg108His (NM_001292028.2); short protein forms R248H, R230H, R108H, R273H, R224H.
Identifiers: ClinVar variation 430263 (VCV000430263.20), dbSNP rs748057401, ClinGen allele CA3381977.

ClinVar aggregate classification (germline): Conflicting classifications of pathogenicity. Review status: criteria provided, conflicting classifications (1 of 4 stars). 9 submissions from 9 submitters: Likely pathogenic (6); Uncertain significance (1). 2 of the submissions do not count toward it. Last evaluated 2025-06-14.

Conditions:
HSD17B4-related disorder. Also called: HSD17B4-related condition; HSD17B4-related disorders.
Bifunctional peroxisomal enzyme deficiency (DBIF). Also called: DBP DEFICIENCY; PBFE DEFICIENCY; D-bifunctional protein deficiency. Identifiers: Orphanet 300, MedGen C0342870, MONDO:0009855, OMIM 261515. Disease mechanism: loss of function.
Perrault syndrome. Also called: Gonadal dysgenesis with auditory dysfunction, autosomal recessive inheritance. Identifiers: Orphanet 2855, MedGen C0685838, MONDO:0017312.
Perrault syndrome 1 (PRLTS1). Also called: GONADAL DYSGENESIS, XX TYPE, WITH DEAFNESS; OVARIAN DYSGENESIS WITH SENSORINEURAL DEAFNESS. Identifiers: Orphanet 2855, Orphanet 642945, MedGen C4551721, MONDO:0009300, OMIM 233400.

Allele frequency attached by ClinVar (database versions not stated): TOPMed 0.00001; ExAC 0.00002; gnomAD exomes 0.00002; gnomAD 0.00003.
gnomAD v4.1: 29 of 1,612,560 alleles (0.0018%); highest among the groups gnomAD compares: Non-Finnish European, 0.0023%; no homozygotes.

Submissions (9):

Labcorp Genetics (formerly Invitae), Labcorp
Classification: Likely pathogenic for Perrault syndrome; Bifunctional peroxisomal enzyme deficiency. Last evaluated: 2025-06-14. Review status: criteria provided, single submitter. Criteria: Invitae Variant Classification Sherloc (09022015). Collection method: clinical testing. Allele origin: germline.
Comment: This sequence change replaces arginine, which is basic and polar, with histidine, which is basic and polar, at codon 248 of the HSD17B4 protein (p.Arg248His). This variant is present in population databases (rs748057401, gnomAD 0.004%). This missense change has been observed in individual(s) with clinical features of HSD17B4-related conditions (PMID: 34534157, 34732400, 38249302). In at least one individual the data is consistent with being in trans (on the opposite chromosome) from a pathogenic variant. ClinVar contains an entry for this variant (Variation ID: 430263). Invitae Evidence Modeling of protein sequence and biophysical properties (such as structural, functional, and spatial information, amino acid conservation, physicochemical variation, residue mobility, and thermodynamic stability) has been performed for this missense variant. However, the output from this modeling did not meet the statistical confidence thresholds required to predict the impact of this variant on HSD17B4 protein function. This variant disrupts the p.Arg248 amino acid residue in HSD17B4. Other variant(s) that disrupt this residue have been determined to be pathogenic (PMID: 16385454, 23308274, 27528516). This suggests that this residue is clinically significant, and that variants that disrupt this residue are likely to be disease-causing. In summary, the currently available evidence indicates that the variant is pathogenic, but additional data are needed to prove that conclusively. Therefore, this variant has been classified as Likely Pathogenic.

Natera, Inc.
Classification: Likely pathogenic for Bifunctional peroxisomal enzyme deficiency. Last evaluated: 2025-03-31. Review status: criteria provided, single submitter. Criteria: Natera Variant Classification Schema (03/2026). Collection method: clinical testing. Allele origin: germline.
Comment: The c.743G>A variant in HSD17B4 is a missense variant predicted to cause substitution of arginine to histidine at amino acid 248. This variant is rare in the general population with a frequency below the threshold expected for the associated phenotype(s). This variant has been observed in one or more individuals affected with the associated recessive disease, as either homozygous or compound heterozygous with a second variant (PMID: 34732400). A different variant at the same position has been determined to be Pathogenic or Likely Pathogenic. Given the available evidence, this variant is classified as Likely Pathogenic.

Victorian Clinical Genetics Services, Murdoch Childrens Research Institute
Classification: Likely pathogenic for Bifunctional peroxisomal enzyme deficiency. Last evaluated: 2024-09-20. Review status: criteria provided, single submitter. Criteria: ACMG Guidelines, 2015. Collection method: clinical testing. Allele origin: germline. Inheritance: Autosomal recessive inheritance. Affected: yes.
Comment: Based on the classification scheme VCGS_Germline_v1.3.4, this variant is classified as Likely pathogenic. Following criteria are met: 0102 - Loss of function is a known mechanism of disease in this gene and is associated with D-bifunctional protein deficiency (MIM#261515) and perrault syndrome 1 (MIM#233400). (I) 0106 - This gene is associated with autosomal recessive disease. (I) 0200 - Variant is predicted to result in a missense amino acid change from arginine to histidine. (I) 0251 - This variant is heterozygous. (I) 0304 - Variant is present in gnomAD (v3) <0.01 for a recessive condition (4 heterozygotes, 0 homozygotes). (SP) 0309 - An alternative amino acid change at the same position has been observed in gnomAD (v2) (2 heterozygotes, 0 homozygotes). (I) 0502 - Missense variant with conflicting in silico predictions and uninformative conservation. (I) 0600 - Variant is located in the annotated (3R)-hydroxyacyl-CoA dehydrogenase domain (UniProt). (I) 0703 - Other missense variants comparable to the one identified in this case have moderate previous evidence for pathogenicity. Two alternate changes at this residue have been reported as pathogenic/likely pathogenic in ClinVar. (SP) 0803 - This variant has limited previous evidence of pathogenicity in unrelated individuals. This variant has been reported twice in ClinVar as likely pathogenic and twice as a variant of unknown significance. It has also been reported in the literature in two unrelated individuals with D-bifunctional protein deficiency (PMIDs: 34732400, 34534157). (SP) 1007 - No published functional evidence has been identified for this variant. (I) Legend: (SP) - Supporting pathogenic, (I) - Information, (SB) - Supporting benign

Baylor Genetics
Classification: Likely pathogenic for Bifunctional peroxisomal enzyme deficiency. Last evaluated: 2024-01-21. Review status: criteria provided, single submitter. Criteria: ACMG Guidelines, 2015. Collection method: clinical testing. Allele origin: unknown.

Women's Health and Genetics/Laboratory Corporation of America, LabCorp
Classification: Uncertain significance. Last evaluated: 2023-12-15. Review status: criteria provided, single submitter. Criteria: LabCorp Variant Classification Summary - May 2015. Collection method: clinical testing. Allele origin: germline.
Comment: Variant summary: HSD17B4 c.743G>A (p.Arg248His) results in a non-conservative amino acid change in the encoded protein sequence. Three of five in-silico tools predict a damaging effect of the variant on protein function. The variant allele was found at a frequency of 1.6e-05 in 250756 control chromosomes. c.743G>A has been reported in the literature in at least one individual affected with a multisystem progressive disorder, where it was found in compound heterozygosity with a truncating variant (c.590_597dupGATCACGG; p.Met200fs) (Schon_2021). These data alone do not allow any conclusion about variant significance. To our knowledge, no experimental evidence demonstrating an impact on protein function has been reported. However, another missense variant affecting the same amino acid (p.Arg248Cys) has been classified as pathogenic by our laboratory in relation to D-Bifunctional Protein Deficiency. The following publication has been ascertained in the context of this evaluation (PMID: 34732400). Three submitters have cited clinical-significance assessments for this variant to ClinVar after 2014. Two classified the variant as likely pathogenic, and one classified the variant as uncertain significance. Based on the evidence outlined above, the variant was classified as VUS-possibly pathogenic.

GeneDx
Classification: Likely pathogenic. Last evaluated: 2022-05-02. Review status: criteria provided, single submitter. Criteria: GeneDx Variant Classification Process June 2021. Collection method: clinical testing. Allele origin: germline. Affected: yes.
Comment: Not observed at a significant frequency in large population cohorts (gnomAD); In silico analysis supports that this missense variant does not alter protein structure/function; Has not been previously published as pathogenic or benign to our knowledge; This variant is associated with the following publications: (PMID: 27535533)

Kasturba Medical College, Manipal, Kasturba Medical College, Manipal, Manipal Academy of Higher Education, Manipal, India
Classification: Likely pathogenic for Perrault syndrome 1. Review status: criteria provided, single submitter. Criteria: ACMG Guidelines, 2015. Collection method: research. Allele origin: biparental. Inheritance: Autosomal recessive inheritance. Affected: yes. Observed: 1 homozygote.
Comment: This variant is observed in heterozygous state in 29 individuals in gnomAD database (v4.1.0) and absent in our in-house data of 3447 exomes. This variant is absent in homozygous state in gnomAD and our in-house data of 3447 exomes

PreventionGenetics, part of Exact Sciences
Classification: Uncertain significance for HSD17B4-related condition. Last evaluated: 2023-11-16. Review status: no assertion criteria provided. Collection method: clinical testing. Allele origin: germline. Not counted in ClinVar's aggregate classification.
Comment: The HSD17B4 c.743G>A variant is predicted to result in the amino acid substitution p.Arg248His. This variant was reported in a compound heterozygous individual with a mitochondrial disorder (Family 66, Table 2, Schon et al 2021. PubMed ID: 34732400). A different variant impacting the same amino acid residue (p.Arg248Cys) has been reported in the homozygous and compound heterozygous state in individuals with D-bifunctional protein deficiency (Mehtälä et al. 2013. PubMed ID: 23308274; Ferdinandusse et al. 2005. PubMed ID: 16385454). This variant is reported in 0.0035% of alleles in individuals of European (Non-Finnish) descent in gnomAD. While this variant could be pathogenic, at this time its clinical significance is interpreted as uncertain due to the absence of conclusive functional and genetic evidence.

Counsyl
Classification: Uncertain significance for Bifunctional peroxisomal enzyme deficiency. Last evaluated: 2017-12-15. Review status: no assertion criteria provided. Collection method: clinical testing. Allele origin: unknown. Not counted in ClinVar's aggregate classification.

Literature cited by the submitters: PubMed 34534157 (cited by Labcorp Genetics (formerly Invitae), Labcorp and Victorian Clinical Genetics Services, Murdoch Childrens Research Institute); PubMed 34732400 (cited by 4 submitters); PubMed 38249302 (cited by Labcorp Genetics (formerly Invitae), Labcorp); PubMed 16385454 (cited by Labcorp Genetics (formerly Invitae), Labcorp); PubMed 23308274 (cited by Labcorp Genetics (formerly Invitae), Labcorp); PubMed 27528516 (cited by Labcorp Genetics (formerly Invitae), Labcorp); PMC PMC3538638 (cited by Kasturba Medical College, Manipal, Kasturba Medical College, Manipal, Manipal Academy of Higher Education, Manipal, India); PMC PMC1380208 (cited by Kasturba Medical College, Manipal, Kasturba Medical College, Manipal, Manipal Academy of Higher Education, Manipal, India).